The following is an entry in ClinVar:

ClinVar aggregate classification (germline): Likely benign. Review status: criteria provided, single submitter (1 of 4 stars). 2 submissions from 2 submitters: Likely benign (1). 1 of the submissions does not count toward it. Last evaluated 2023-05-26.

Conditions:
KIDINS220-related disorder. Also called: KIDINS220-related condition.

Allele frequency attached by ClinVar (database versions not stated): gnomAD 0.00001; gnomAD exomes 0.00001; ExAC 0.00002; TOPMed 0.00002.
gnomAD v4.1: 20 of 1,613,994 alleles (0.0012%); highest among the groups gnomAD compares: Middle Eastern, 0.016%; no homozygotes.

Submissions (2):

Labcorp Genetics (formerly Invitae), Labcorp
Classification: Likely benign. Last evaluated: 2023-05-26. Review status: criteria provided, single submitter. Criteria: Invitae Variant Classification Sherloc (09022015). Collection method: clinical testing. Allele origin: germline.

PreventionGenetics, part of Exact Sciences
Classification: Likely benign for KIDINS220-related condition. Last evaluated: 2023-10-19. Review status: no assertion criteria provided. Collection method: clinical testing. Allele origin: germline. Not counted in ClinVar's aggregate classification.
Comment: This variant is classified as likely benign based on ACMG/AMP sequence variant interpretation guidelines (Richards et al. 2015 PMID: 25741868, with internal and published modifications).

NM_020738.4(KIDINS220):c.3933C>T (p.Asn1311=)

Gene: KIDINS220 (kinase D interacting substrate 220; minus strand). Cytogenetic location: 2p25.1.
Variant type: single nucleotide variant.
Coding change: c.3933C>T on transcript NM_020738.4 (MANE Select); coding-DNA position 3933, C replaced by T.
Protein change: p.Asn1311=; no amino-acid change (asparagine 1311 retained).
Molecular consequence: synonymous variant. On other transcripts: non-coding transcript variant (2).
Genome position (GRCh38, 1-based): chr2:8,733,564, G>A on the plus strand (C>T on the coding strand, the complement: KIDINS220 is on the minus strand). VCF-style: chr2-8733564-G-A. GRCh37 (hg19) VCF-style: chr2-8873694-G-A.
Other names: c.3933C>T (NM_020738.2); c.3936C>T, p.Asn1312= (NM_001348729.2); c.3879C>T, p.Asn1293= (NM_001348731.2); c.3876C>T, p.Asn1292= (NM_001348732.2, NM_001348738.2); c.3765C>T, p.Asn1255= (NM_001348734.2, NM_001348739.2, NM_001348740.2); c.3762C>T, p.Asn1254= (NM_001348735.2, NM_001348741.2, NM_001348742.2 and 1 more transcripts); c.3636C>T, p.Asn1212= (NM_001348736.2).
Identifiers: ClinVar variation 2054112 (VCV002054112.6), dbSNP rs544892431, ClinGen allele CA1519469.